The following is an entry in ClinVar:

ClinVar aggregate classification (germline): Uncertain significance (1 of 4 stars; one submission).

Conditions:
Inborn genetic diseases. Identifiers: MedGen C0950123, MeSH D030342.

Submission:

Ambry Genetics
Classification: Uncertain significance for Inborn genetic diseases. Last evaluated: 2025-01-17. Review status: criteria provided, single submitter. Criteria: Ambry Variant Classification Scheme 2023. Collection method: clinical testing. Allele origin: germline.
Comment: The p.D621G variant (also known as c.1862A>G), located in coding exon 8 of the MECOM gene, results from an A to G substitution at nucleotide position 1862. The aspartic acid at codon 621 is replaced by glycine, an amino acid with similar properties. This amino acid position is conserved. In addition, this alteration is predicted to be tolerated by in silico analysis. Based on the available evidence, the clinical significance of this variant remains unclear.

NM_004991.4(MECOM):c.1862A>G (p.Asp621Gly)

Gene: MECOM (MDS1 and EVI1 complex locus; minus strand). Cytogenetic location: 3q26.2.
Variant type: single nucleotide variant.
Coding change: c.1862A>G on transcript NM_004991.4 (MANE Select); coding-DNA position 1862, A replaced by G.
Protein change: p.Asp621Gly; replaces aspartic acid 621 with glycine.
Molecular consequence: missense variant. On other transcripts: intron variant (2).
Genome position (GRCh38, 1-based): chr3:169,116,010, T>C on the plus strand (A>G on the coding strand, the complement: MECOM is on the minus strand). VCF-style: chr3-169116010-T-C. GRCh37 (hg19) VCF-style: chr3-168833798-T-C.
Other names: c.1493A>G, p.Asp498Gly (NM_001105077.4); c.1298A>G, p.Asp433Gly (NM_001105078.4, NM_001164000.2, NM_001205194.2 and 4 more transcripts); c.1301A>G, p.Asp434Gly (NM_001163999.2, NM_001366467.2, NM_001366468.2 and 1 more transcripts); c.1862A>G, p.Asp621Gly (NM_001366466.2); c.1133-243A>G (NM_001366473.2); c.569-243A>G (NM_001366474.2); short protein forms D433G, D621G, D498G, D434G.
Identifiers: ClinVar variation 3871719 (VCV003871719.1).
Genomic context (GRCh38, chr3:169,116,010, plus strand): 5'-TGATTGCTGTATTCTTTCTTATTATTTATTGAAGCCAGATTCTGAAGAGGGCTTACTTTG[T>C]CTTTGAACATTTTACCATTTTCTTTAAATTTCTCTTTATCACTTTCAATGTCACTTTCCA-3'
Protein context (NP_004982.2, residues 611-631): KFKENGKMFK[Asp621Gly]KVSPLQNLAS